The following is an entry in ClinVar:

ClinVar aggregate classification (germline): Pathogenic (1 of 4 stars; one submission).

Conditions:
Hereditary cancer-predisposing syndrome. Also called: Neoplastic Syndromes, Hereditary; Tumor predisposition; Hereditary neoplastic syndrome; Hereditary Cancer Syndrome. Identifiers: Orphanet 140162, MedGen C0027672, MeSH D009386, MONDO:0015356.

Submission:

Ambry Genetics
Classification: Pathogenic for Hereditary cancer-predisposing syndrome. Last evaluated: 2019-01-25. Review status: criteria provided, single submitter. Criteria: Ambry Variant Classification Scheme 2023. Collection method: clinical testing. Allele origin: germline.
Comment: The c.5928delG pathogenic mutation, located in coding exon 10 of the BRCA2 gene, results from a deletion of one nucleotide at nucleotide position 5928, causing a translational frameshift with a predicted alternate stop codon (p.I1977Ffs*27). This alteration is expected to result in loss of function by premature protein truncation or nonsense-mediated mRNA decay. As such, this alteration is interpreted as a disease-causing mutation.

NM_000059.4(BRCA2):c.5928del (p.Ile1977fs)

Gene: BRCA2 (BRCA2 DNA repair associated; plus strand). Cytogenetic location: 13q13.1.
Variant type: Deletion.
Coding change: c.5928del on transcript NM_000059.4 (MANE Select); coding-DNA position 5928, one base deleted (G; older notation c.5928delG).
Protein change: p.Ile1977fs; shifts the reading frame from isoleucine 1977.
Molecular consequence: frameshift variant.
Genome position (GRCh38, 1-based): chr13:32,340,283, G deleted; the last of 3 consecutive G bases (chr13:32,340,281-32,340,283); deleting any one gives the same sequence. VCF-style (leftmost placement, unchanged base first): chr13-32340280-TG-T. GRCh37 (hg19) VCF-style: chr13-32914417-TG-T.
Other names: short protein forms I1977fs.
Identifiers: ClinVar variation 826062 (VCV000826062.4), dbSNP rs1593906951, ClinGen allele CA915948500.